The following is an entry in ClinVar:

NM_000203.5(IDUA):c.503G>T (p.Gly168Val)

Gene: IDUA (alpha-L-iduronidase; plus strand). Cytogenetic location: 4p16.3.
Variant type: single nucleotide variant.
Coding change: c.503G>T on transcript NM_000203.5 (MANE Select); coding-DNA position 503, G replaced by T.
Protein change: p.Gly168Val; replaces glycine 168 with valine.
Molecular consequence: missense variant. On other transcripts: non-coding transcript variant (1).
Genome position (GRCh38, 1-based): chr4:1,001,477, G>T. VCF-style: chr4-1001477-G-T. GRCh37 (hg19) VCF-style: chr4-995265-G-T.
Other names: NM_000203.5(IDUA):c.503G>T; p.Gly168Val; c.107G>T, p.Gly36Val (NM_001363576.1); short protein forms G168V, G36V.
Identifiers: ClinVar variation 4069658 (VCV004069658.3).

ClinVar aggregate classification (germline): Likely pathogenic. Review status: reviewed by expert panel (3 of 4 stars). 2 submissions from 2 submitters: Likely pathogenic (1). 1 of the submissions does not count toward it. Last evaluated 2026-07-16.

Conditions:
Mucopolysaccharidosis type 1. Also called: IDUA deficiency; MPS I; Mucopolysaccharidosis Type I. Identifiers: Orphanet 579, MedGen C0023786, MONDO:0001586.

Submissions (2):

ClinGen Lysosomal Storage Disorder Variant Curation Expert Panel
Classification: Likely pathogenic for Mucopolysaccharidosis type 1. Last evaluated: 2026-07-16. Review status: reviewed by expert panel. Criteria: ClinGen LSD ACMG Specifications IDUA V1.2.0. Collection method: curation. Allele origin: germline. Inheritance: Autosomal recessive inheritance.
Comment: The NM_000203.5:c.503G>T variant in IDUA is predicted to result in the missense substitution of glycine by valine at amino acid 168 (p.Gly168Val). This individual is compound heterozygous for the variant and another variant in IDUA that has been classified as likely pathogenic for MPS I by the ClinGen LD VCEP, c.236C>T (p.Ala79Val) (ClinVar variation ID: 1458769); the variants were confirmed to be in trans by parental testing. The computational predictor REVEL gives a score of 0.897 which is above the threshold of 0.773, evidence that correlates with impact to IDUA function at the moderate level based on the specifications of the ClinGen Lysosomal Diseases VCEP (PMID: 36413997) (PP3_Moderate). The variant is absent in gnomAD v4.1.0. (PM2_Supporting). There is a ClinVar entry for this variant (Variation ID: 4069658). In summary, this variant meets the criteria to be classified as likely pathogenic for MPS I. IDUA-specific ACMG/AMP criteria applied, as specified by the ClinGen Lysosomal Diseases Variant Curation Expert Panel (Specifications Version 1.2.0): PM3, PP3_Moderate, PP4_Moderate, PM2_Supporting (Classification approved by the ClinGen Lysosomal Diseases Variant Curation Expert Panel on July 16, 2026)

Natera, Inc.
Classification: Likely pathogenic for Mucopolysaccharidosis type I. Last evaluated: 2025-03-24. Review status: criteria provided, single submitter. Criteria: Natera Variant Classification Schema (03/2026). Collection method: clinical testing. Allele origin: germline. Not counted in ClinVar's aggregate classification.
Comment: The c.503G>T variant in IDUA is a missense variant predicted to cause substitution of glycine to valine at amino acid 168. This variant is rare in the general population with a frequency below the threshold expected for the associated phenotype(s). This variant has been observed in one or more individuals affected with the associated recessive disease, as either homozygous or compound heterozygous with a second variant (PMID: 21480867). This variant has been identified in one or more affected individuals with a phenotype highly consistent with the associated gene (PMID: 21480867). Computational prediction algorithms indicate this variant is likely to affect gene or protein function. Given the available evidence, this variant is classified as Likely Pathogenic.

Literature cited by the submitters: PubMed 21480867 (cited by Natera, Inc.).